The following is an entry in ClinVar:

NM_007327.4(GRIN1):c.1402C>T (p.Arg468Trp)

Gene: GRIN1 (glutamate ionotropic receptor NMDA type subunit 1; plus strand). Cytogenetic location: 9q34.3.
Variant type: single nucleotide variant.
Coding change: c.1402C>T on transcript NM_007327.4 (MANE Select); coding-DNA position 1402, C replaced by T.
Protein change: p.Arg468Trp; replaces arginine 468 with tryptophan.
Molecular consequence: missense variant.
Genome position (GRCh38, 1-based): chr9:137,161,351, C>T. VCF-style: chr9-137161351-C-T. GRCh37 (hg19) VCF-style: chr9-140055803-C-T.
Other names: c.1402C>T, p.Arg468Trp (NM_000832.7, NM_021569.4); c.1465C>T, p.Arg489Trp (NM_001185090.2, NM_001185091.2, NM_001437330.1 and 1 more transcripts); short protein forms R468W, R489W.
Identifiers: ClinVar variation 4875153 (VCV004875153.2).
Genomic context (GRCh38, chr9:137,161,351, plus strand): 5'-CGCCACACGGTGCCTCAGTGTTGCTACGGCTTTTGCATCGACCTGCTCATCAAGCTGGCA[C>T]GGACCATGAACTTCACCTACGAGGTGCACCTGGTGGCAGATGGCAAGTTCGGCACACAGG-3'
Protein context (NP_015566.1, residues 458-478): FCIDLLIKLA[Arg468Trp]TMNFTYEVHL

ClinVar aggregate classification (germline): Uncertain significance (1 of 4 stars; one submission).

Submission:

CeGaT Center for Human Genetics Tuebingen
Classification: Uncertain significance. Last evaluated: 2026-06-01. Review status: criteria provided, single submitter. Criteria: CeGaT Center For Human Genetics Tuebingen Variant Classification Criteria Version 2. Collection method: clinical testing. Allele origin: germline. Affected: yes. Observed: 1 variant allele.
Comment: GRIN1: PM2, PP2